The following is an entry in ClinVar:

NM_007254.4(PNKP):c.1127-20C>T

Gene: PNKP (polynucleotide kinase 3'-phosphatase; minus strand). Cytogenetic location: 19q13.33.
Variant type: single nucleotide variant.
Coding change: c.1127-20C>T on transcript NM_007254.4 (MANE Select); 20 bases into the intron before coding-DNA position 1127, C replaced by T.
Molecular consequence: intron variant.
Genome position (GRCh38, 1-based): chr19:49,862,125, G>A on the plus strand (C>T on the coding strand, the complement: PNKP is on the minus strand). VCF-style: chr19-49862125-G-A. GRCh37 (hg19) VCF-style: chr19-50365382-G-A.
Identifiers: ClinVar variation 2145150 (VCV002145150.1), dbSNP rs1033301071, ClinGen allele CA309493560.

ClinVar aggregate classification (germline): Uncertain significance (1 of 4 stars; one submission).

Conditions:
Developmental and epileptic encephalopathy, 12 (DEE12). Identifiers: MedGen C3150988, MONDO:0013389, OMIM 613722.

Allele frequency attached by ClinVar (database versions not stated): TOPMed below 0.00001; gnomAD exomes 0.00001.
gnomAD v4.1: 13 of 1,614,112 alleles (0.00081%); highest among the groups gnomAD compares: East Asian, 0.0022%; no homozygotes.

Submission:

Labcorp Genetics (formerly Invitae), Labcorp
Classification: Uncertain significance for Developmental and epileptic encephalopathy, 12. Last evaluated: 2022-02-27. Review status: criteria provided, single submitter. Criteria: Invitae Variant Classification Sherloc (09022015). Collection method: clinical testing. Allele origin: germline.
Comment: This sequence change falls in intron 12 of the PNKP gene. It does not directly change the encoded amino acid sequence of the PNKP protein. This variant is present in population databases (no rsID available, gnomAD 0.006%). This variant has not been reported in the literature in individuals affected with PNKP-related conditions. Algorithms developed to predict the effect of sequence changes on RNA splicing suggest that this variant may create or strengthen a splice site. In summary, the available evidence is currently insufficient to determine the role of this variant in disease. Therefore, it has been classified as a Variant of Uncertain Significance.